The following is an entry in ClinVar:

NM_006096.4(NDRG1):c.1144G>A (p.Gly382Arg)

Gene: NDRG1 (N-myc downstream regulated 1; minus strand). Cytogenetic location: 8q24.22.
Variant type: single nucleotide variant.
Coding change: c.1144G>A on transcript NM_006096.4 (MANE Select); coding-DNA position 1144, G replaced by A.
Protein change: p.Gly382Arg; replaces glycine 382 with arginine.
Molecular consequence: missense variant.
Genome position (GRCh38, 1-based): chr8:133,238,919, C>T on the plus strand (G>A on the coding strand, the complement: NDRG1 is on the minus strand). VCF-style: chr8-133238919-C-T. GRCh37 (hg19) VCF-style: chr8-134251162-C-T.
Other names: c.1144G>A, p.Gly382Arg (NM_001135242.2, NM_001374845.1, NM_001374846.1); c.946G>A, p.Gly316Arg (NM_001258432.2, NM_001374847.1); c.901G>A, p.Gly301Arg (NM_001258433.2); c.1195G>A, p.Gly399Arg (NM_001374844.1); short protein forms G382R, G399R, G301R, G316R.
Identifiers: ClinVar variation 2156191 (VCV002156191.1), dbSNP rs1428958121, ClinGen allele CA372254260.

ClinVar aggregate classification (germline): Uncertain significance (1 of 4 stars; one submission).

Conditions:
Charcot-Marie-Tooth disease type 4. Also called: Charcot-Marie-Tooth, Type 4; Charcot-Marie-Tooth disease, type IV. Identifiers: Orphanet 64749, MedGen C4082197, MONDO:0018995.

Allele frequency attached by ClinVar (database versions not stated): gnomAD exomes below 0.00001; TOPMed below 0.00001.
gnomAD v4.1: 1 of 1,562,748 alleles (0.000064%); highest among the groups gnomAD compares: Non-Finnish European, 0.000087%; no homozygotes.

Submission:

Labcorp Genetics (formerly Invitae), Labcorp
Classification: Uncertain significance for Charcot-Marie-Tooth disease type 4. Last evaluated: 2022-04-15. Review status: criteria provided, single submitter. Criteria: Invitae Variant Classification Sherloc (09022015). Collection method: clinical testing. Allele origin: germline.
Comment: This sequence change replaces glycine, which is neutral and non-polar, with arginine, which is basic and polar, at codon 382 of the NDRG1 protein (p.Gly382Arg). This variant is not present in population databases (gnomAD no frequency). This variant has not been reported in the literature in individuals affected with NDRG1-related conditions. Algorithms developed to predict the effect of missense changes on protein structure and function (SIFT, PolyPhen-2, Align-GVGD) all suggest that this variant is likely to be tolerated. Algorithms developed to predict the effect of sequence changes on RNA splicing suggest that this variant may create or strengthen a splice site. In summary, the available evidence is currently insufficient to determine the role of this variant in disease. Therefore, it has been classified as a Variant of Uncertain Significance.